The following is an entry in ClinVar:

NM_002972.4(SBF1):c.1313C>T (p.Pro438Leu)

Gene: SBF1 (SET binding factor 1; minus strand). Cytogenetic location: 22q13.33.
Variant type: single nucleotide variant.
Coding change: c.1313C>T on transcript NM_002972.4 (MANE Select); coding-DNA position 1313, C replaced by T.
Protein change: p.Pro438Leu; replaces proline 438 with leucine.
Molecular consequence: missense variant.
Genome position (GRCh38, 1-based): chr22:50,465,020, G>A on the plus strand (C>T on the coding strand, the complement: SBF1 is on the minus strand). VCF-style: chr22-50465020-G-A. GRCh37 (hg19) VCF-style: chr22-50903449-G-A.
Other names: c.1316C>T, p.Pro439Leu (NM_001365819.1); c.1313C>T (NM_002972.2); short protein forms P439L, P438L.
Identifiers: ClinVar variation 1365908 (VCV001365908.6), dbSNP rs369453227, ClinGen allele CA10317744.

ClinVar aggregate classification (germline): Uncertain significance. Review status: criteria provided, multiple submitters, no conflicts (2 of 4 stars). 2 submissions from 2 submitters: Uncertain significance (2). Last evaluated 2025-01-20.

Allele frequency attached by ClinVar (database versions not stated): gnomAD exomes 0.00002 and 0.00003; ExAC 0.00003; ESP Exome Variant Server 0.00016.
gnomAD v4.1: 39 of 1,613,880 alleles (0.0024%); highest among the groups gnomAD compares: Non-Finnish European, 0.0031%; no homozygotes.

Submissions (2):

Ambry Genetics
Classification: Uncertain significance. Last evaluated: 2025-01-20. Review status: criteria provided, single submitter. Criteria: Ambry Variant Classification Scheme 2023. Collection method: clinical testing. Allele origin: germline.

Labcorp Genetics (formerly Invitae), Labcorp
Classification: Uncertain significance. Last evaluated: 2024-02-17. Review status: criteria provided, single submitter. Criteria: Invitae Variant Classification Sherloc (09022015). Collection method: clinical testing. Allele origin: germline.
Comment: This sequence change replaces proline, which is neutral and non-polar, with leucine, which is neutral and non-polar, at codon 438 of the SBF1 protein (p.Pro438Leu). This variant is present in population databases (rs369453227, gnomAD 0.004%). This variant has not been reported in the literature in individuals affected with SBF1-related conditions. ClinVar contains an entry for this variant (Variation ID: 1365908). Advanced modeling of protein sequence and biophysical properties (such as structural, functional, and spatial information, amino acid conservation, physicochemical variation, residue mobility, and thermodynamic stability) performed at Invitae indicates that this missense variant is not expected to disrupt SBF1 protein function with a negative predictive value of 80%. In summary, the available evidence is currently insufficient to determine the role of this variant in disease. Therefore, it has been classified as a Variant of Uncertain Significance.